The following is an entry in ClinVar:

NM_201384.3(PLEC):c.1630T>C (p.Trp544Arg)

Gene: PLEC (plectin; minus strand). Cytogenetic location: 8q24.3.
Variant type: single nucleotide variant.
Coding change: c.1630T>C on transcript NM_201384.3 (MANE Select); coding-DNA position 1630, T replaced by C.
Protein change: p.Trp544Arg; replaces tryptophan 544 with arginine.
Molecular consequence: missense variant.
Genome position (GRCh38, 1-based): chr8:143,932,900, A>G on the plus strand (T>C on the coding strand, the complement: PLEC is on the minus strand). VCF-style: chr8-143932900-A-G. GRCh37 (hg19) VCF-style: chr8-145007068-A-G.
Other names: c.1711T>C, p.Trp571Arg (NM_000445.5); c.1588T>C, p.Trp530Arg (NM_201378.4); c.1564T>C, p.Trp522Arg (NM_201379.3); c.2041T>C, p.Trp681Arg (NM_201380.4); c.1534T>C, p.Trp512Arg (NM_201381.3); c.1630T>C, p.Trp544Arg (NM_201382.4); c.1642T>C, p.Trp548Arg (NM_201383.3); short protein forms W512R, W522R, W530R, W544R, W548R, W571R, W681R.
Identifiers: ClinVar variation 1011680 (VCV001011680.5), dbSNP rs1554718398, ClinGen allele CA372580605.

ClinVar aggregate classification (germline): Uncertain significance (1 of 4 stars; one submission).

Conditions:
Epidermolysis bullosa simplex 5B, with muscular dystrophy (EBS5B). Also called: EPIDERMOLYSIS BULLOSA SIMPLEX AND LIMB-GIRDLE MUSCULAR DYSTROPHY; Epidermolysis bullosa simplex with muscular dystrophy. Identifiers: Orphanet 257, MedGen C2931072, MONDO:0009181, OMIM 226670.
Epidermolysis bullosa simplex, Ogna type (EBS5A). Also called: EPIDERMOLYSIS BULLOSA SIMPLEX 5A, OGNA TYPE; Pidermolysis bullosa simplex 5A, Ogna type. Identifiers: Orphanet 79401, MedGen C0432317, MONDO:0007555, OMIM 131950.
Epidermolysis bullosa simplex 5C, with pyloric atresia (EBS5C). Also called: Epidermolysis bullosa simplex with pyloric atresia; PLEC-Related Epidermolysis Bullosa with Pyloric Atresia; PLEC1-Related Epidermolysis Bullosa with Pyloric Atresia. Identifiers: Orphanet 158684, MedGen C2677349, MONDO:0012807, OMIM 612138.
Autosomal recessive limb-girdle muscular dystrophy type 2Q (LGMDR17). Also called: MUSCULAR DYSTROPHY, LIMB-GIRDLE, AUTOSOMAL RECESSIVE 17. Identifiers: Orphanet 254361, MedGen C3150989, MONDO:0013390, OMIM 613723.
Epidermolysis bullosa simplex with nail dystrophy (EBS5D). Identifiers: MedGen C4225309, MONDO:0014661, OMIM 616487.

Allele frequency attached by ClinVar (database versions not stated): gnomAD exomes below 0.00001 and 0.00001.
gnomAD v4.1: 3 of 1,612,168 alleles (0.00019%); highest among the groups gnomAD compares: Non-Finnish European, 0.00025%; no homozygotes.

Submission:

Labcorp Genetics (formerly Invitae), Labcorp
Classification: Uncertain significance for Autosomal recessive limb-girdle muscular dystrophy type 2Q; Epidermolysis bullosa simplex, Ogna type; Epidermolysis bullosa simplex with nail dystrophy; Epidermolysis bullosa simplex 5C, with pyloric atresia; Epidermolysis bullosa simplex 5B, with muscular dystrophy. Last evaluated: 2024-01-29. Review status: criteria provided, single submitter. Criteria: Invitae Variant Classification Sherloc (09022015). Collection method: clinical testing. Allele origin: germline.
Comment: This sequence change replaces tryptophan, which is neutral and slightly polar, with arginine, which is basic and polar, at codon 571 of the PLEC protein (p.Trp571Arg). This variant is present in population databases (no rsID available, gnomAD 0.0009%). This variant has not been reported in the literature in individuals affected with PLEC-related conditions. ClinVar contains an entry for this variant (Variation ID: 1011680). Advanced modeling of protein sequence and biophysical properties (such as structural, functional, and spatial information, amino acid conservation, physicochemical variation, residue mobility, and thermodynamic stability) has been performed at Invitae for this missense variant, however the output from this modeling did not meet the statistical confidence thresholds required to predict the impact of this variant on PLEC protein function. In summary, the available evidence is currently insufficient to determine the role of this variant in disease. Therefore, it has been classified as a Variant of Uncertain Significance.